The following is an entry in ClinVar:

NM_000528.4(MAN2B1):c.1830+1G>C

Gene: MAN2B1 (mannosidase alpha class 2B member 1; minus strand). Cytogenetic location: 19p13.13.
Variant type: single nucleotide variant.
Coding change: c.1830+1G>C on transcript NM_000528.4 (MANE Select); the canonical splice donor site of the intron after coding-DNA position 1830, G replaced by C.
Molecular consequence: splice donor variant.
Genome position (GRCh38, 1-based): chr19:12,655,693, C>G on the plus strand (G>C on the coding strand, the complement: MAN2B1 is on the minus strand). VCF-style: chr19-12655693-C-G. GRCh37 (hg19) VCF-style: chr19-12766507-C-G.
Other names: IVS14DS, G-C, +1; c.1827+1G>C (NM_001173498.2).
Identifiers: ClinVar variation 21207 (VCV000021207.46), dbSNP rs80338677, ClinGen allele CA341734.
Genomic context (GRCh38, chr19:12,655,693, plus strand): 5'-CTCACCATGACACTTCAAATTTGTCACAGGAGCAGGAAAGGGGATTGAAATGGGGTCTCA[C>G]CTCATTTTCGATGGTTAAAGCAGGGGACCAGGATCTTCTGGGGATGGGCTGTGGTGCGCG-3'

ClinVar aggregate classification (germline): Pathogenic. Review status: criteria provided, multiple submitters, no conflicts (2 of 4 stars). 16 submissions from 16 submitters: Pathogenic (14). 2 of the submissions do not count toward it. Last evaluated 2026-01-28.

Conditions:
MAN2B1-related disorder. Also called: MAN2B1-related condition.
Inborn genetic diseases. Identifiers: MedGen C0950123, MeSH D030342.
Deficiency of alpha-mannosidase (MANSA). Also called: Mannosidosis, alpha-, types I and II; LYSOSOMAL ALPHA-D-MANNOSIDASE DEFICIENCY; Alpha-Mannosidosis. Identifiers: Orphanet 61, MedGen C0024748, MONDO:0009561, OMIM 248500.

Allele frequency attached by ClinVar (database versions not stated): gnomAD exomes 0.00018 and 0.00009; ExAC 0.00007; gnomAD 0.00008; TOPMed 0.00010.
gnomAD v4.1: 269 of 1,608,824 alleles (0.017%); highest among the groups gnomAD compares: Non-Finnish European, 0.02%; no homozygotes.

Submissions (17):

Labcorp Genetics (formerly Invitae), Labcorp
Classification: Pathogenic for Deficiency of alpha-mannosidase. Last evaluated: 2026-01-28. Review status: criteria provided, single submitter. Criteria: Invitae Variant Classification Sherloc (09022015). Collection method: clinical testing. Allele origin: germline.
Comment: This sequence change affects a donor splice site in intron 14 of the MAN2B1 gene. It is expected to disrupt RNA splicing. Variants that disrupt the donor or acceptor splice site typically lead to a loss of protein function (PMID: 16199547), and loss-of-function variants in MAN2B1 are known to be pathogenic (PMID: 9915946, 22161967). This variant is present in population databases (rs80338677, gnomAD 0.03%). Disruption of this splice site has been observed in individual(s) with mannosidosis (PMID: 9915946, 26048034). In at least one individual the data is consistent with being in trans (on the opposite chromosome) from a pathogenic variant. This variant is also known as IVS14+1G>C. ClinVar contains an entry for this variant (Variation ID: 21207). Algorithms developed to predict the effect of sequence changes on RNA splicing suggest that this variant may disrupt the consensus splice site. For these reasons, this variant has been classified as Pathogenic.

GeneDx
Classification: Pathogenic. Last evaluated: 2026-01-12. Review status: criteria provided, single submitter. Criteria: GeneDx Variant Classification Process June 2021. Collection method: clinical testing. Allele origin: germline. Affected: yes.
Comment: Canonical splice site variant predicted to result in an in-frame loss of the adjacent exon in a gene for which loss of function is a known mechanism of disease; This variant is associated with the following publications: (PMID: 25525159, 9915946, 22161967, 31980526, 38107468, 34429528, 38382588)

Natera, Inc.
Classification: Pathogenic for Alpha-mannosidosis. Last evaluated: 2025-10-06. Review status: criteria provided, single submitter. Criteria: Natera Variant Classification Schema (03/2026). Collection method: clinical testing. Allele origin: germline.
Comment: The c.1830+1G>C variant in MAN2B1 is a canonical splice donor site variant predicted to affect pre-mRNA splicing, which may result in an abnormal transcript and altered protein product. This variant may result in a truncated or dysfunctional protein product. This variant is rare in the general population with a frequency below the threshold expected for the associated phenotype(s). This variant has been observed in one or more individuals affected with the associated recessive disease, as either homozygous or compound heterozygous with a second variant (PMID: 22161967). Additionally, this variant has been observed to segregate in affected family members (PMID: 22161967). Given the available evidence, this variant is classified as Pathogenic.

Blueprint Genetics
Classification: Pathogenic for MAN2B1-related disorders. Last evaluated: 2024-07-31. Review status: criteria provided, single submitter. Criteria: ACMG Guidelines, 2015. Collection method: clinical testing. Allele origin: germline. Affected: yes. Observed: 5 variant alleles.

Baylor Genetics
Classification: Pathogenic for Deficiency of alpha-mannosidase. Last evaluated: 2024-03-15. Review status: criteria provided, single submitter. Criteria: ACMG Guidelines, 2015. Collection method: clinical testing. Allele origin: unknown.

Fulgent Genetics
Classification: Pathogenic for Deficiency of alpha-mannosidase. Last evaluated: 2024-01-30. Review status: criteria provided, single submitter. Criteria: ACMG Guidelines, 2015. Collection method: clinical testing. Allele origin: germline.

Greenwood Genetic Center Diagnostic Laboratories, Greenwood Genetic Center
Classification: Pathogenic for Deficiency of alpha-mannosidase. Last evaluated: 2022-02-02. Review status: criteria provided, single submitter. Criteria: ACMG Guidelines, 2015. Collection method: clinical testing. Allele origin: germline. Affected: yes.
Comment: PVS1, PM2, PM3

Myriad Genetics, Inc.
Classification: Pathogenic for Deficiency of alpha-mannosidase. Last evaluated: 2021-10-01. Review status: criteria provided, single submitter. Criteria: Myriad Women's Health Autosomal Recessive and X-Linked Classification Criteria (2021). Collection method: clinical testing. Allele origin: unknown.
Comment: NM_000528.3(MAN2B1):c.1830+1G>C is a canonical splice variant classified as pathogenic in the context of alpha-mannosidosis. c.1830+1G>C has been observed in cases with relevant disease (PMID: 9915946, 22161967). Functional assessments of this variant are not available in the literature. c.1830+1G>C has been observed in population frequency databases (gnomAD: FIN 0.03%). In summary, NM_000528.3(MAN2B1):c.1830+1G>C is a canonical splice variant that has been observed more frequently in cases with the relevant disease than in healthy populations. Please note: this variant was assessed in the context of healthy population screening.

Genome-Nilou Lab
Classification: Pathogenic for Deficiency of alpha-mannosidase. Last evaluated: 2021-09-05. Review status: criteria provided, single submitter. Criteria: ACMG Guidelines, 2015. Collection method: clinical testing. Allele origin: germline. Affected: no.

New York Genome Center
Classification: Pathogenic for Deficiency of alpha-mannosidase. Last evaluated: 2021-04-09. Review status: criteria provided, single submitter. Criteria: NYGC Assertion Criteria 2020. Collection method: clinical testing. Allele origin: inherited. Observed: 1 heterozygote. Study: CSER-NYCKidSeq.

Victorian Clinical Genetics Services, Murdoch Childrens Research Institute
Classification: Pathogenic for Deficiency of alpha-mannosidase. Last evaluated: 2020-05-26. Review status: criteria provided, single submitter. Criteria: ACMG Guidelines, 2015. Collection method: clinical testing. Allele origin: germline. Inheritance: Autosomal recessive inheritance. Affected: yes.
Comment: Based on the classification scheme VCGS_Germline_v1.1.1, this variant is classified as Pathogenic. Following criteria are met: 0102 - Loss-of-function is a known mechanism of disease for this gene. (N) 0106 - This gene is known to be associated with autosomal recessive disease. (N) 0211 - Canonical splice site variant without proven consequence on splicing (no functional evidence available, intron 14). (P) 0251 - Variant is heterozygous. (N) 0304 - Variant is present in gnomAD <0.01 for a recessive condition (24 heterozygotes, 0 homozygotes). (P) 0505 - Abnormal splicing is predicted by in silico tools and affected nucleotide is highly conserved. (P) 0704 - Comparable variant has low previous evidence for pathogenicity (Borgwardt, L. et al. (2015); Riise Stensland, H. et al. (2012)). (P) 0801 - Strong previous evidence of pathogenicity in unrelated individuals (ClinVar; Matlach, J. et al (2018)). (P) 1102 - Strong phenotype match. (N) Legend: (P) - Pathogenic, (N) - Neutral, (B) - Benign

Revvity Omics, Revvity
Classification: Pathogenic for Deficiency of alpha-mannosidase. Last evaluated: 2020-05-22. Review status: criteria provided, single submitter. Criteria: ACMG Guidelines, 2015. Collection method: clinical testing. Allele origin: germline.

Women's Health and Genetics/Laboratory Corporation of America, LabCorp
Classification: Pathogenic for Deficiency of alpha-mannosidase. Last evaluated: 2019-11-25. Review status: criteria provided, single submitter. Criteria: LabCorp Variant Classification Summary - May 2015. Collection method: clinical testing. Allele origin: germline.
Comment: Variant summary: MAN2B1 c.1830+1G>C is located in a canonical splice-site and is predicted to affect mRNA splicing resulting in a significantly altered protein due to either exon skipping, shortening, or inclusion of intronic material. Several computational tools predict a significant impact on normal splicing: Four predict the variant abolishes a 5' splicing donor site. However, these predictions have yet to be confirmed by functional studies. The variant allele was found at a frequency of 9.3e-05 in 248630 control chromosomes. This frequency is not significantly higher than expected for a pathogenic variant in MAN2B1 causing Alpha-Mannosidosis (9.3e-05 vs 0.0016). c.1830+1G>C has been reported in the literature as one of the most common disease causing variants in multiple individuals affected with Alpha-Mannosidosis (example, Riise Stensland_2012, Berg_1999). These data indicate that the variant is very likely to be associated with disease. No experimental evidence demonstrating an impact on protein function were ascertained within the context of this evaluation. One clinical diagnostic laboratory has submitted clinical-significance assessments for this variant to ClinVar after 2014 without evidence for independent evaluation and classified the variant as pathogenic. Based on the evidence outlined above, the variant was classified as pathogenic.

Ambry Genetics
Classification: Pathogenic for Inborn genetic diseases. Last evaluated: 2017-05-20. Review status: criteria provided, single submitter. Criteria: Ambry exome assertion method (8-5-2015). Collection method: clinical testing. Allele origin: germline. Affected: yes. Observed: 1 variant allele.

OMIM
Classification: Pathogenic for ALPHA-MANNOSIDOSIS. Last evaluated: 2012-03-01. Review status: no assertion criteria provided. Collection method: literature only. Allele origin: germline. Not counted in ClinVar's aggregate classification.

Dr. Peter K. Rogan Lab, Western University
No classification provided (evidence only). Condition: Ovarian serous cystadenocarcinoma. Review status: no classification provided. Collection method: in vitro. Allele origin: not applicable. Functional consequence: retained intron. Not counted in ClinVar's aggregate classification.

GeneReviews
No classification provided. Condition: Deficiency of alpha-mannosidase. Review status: no classification provided. Collection method: literature only. Allele origin: unknown. Not counted in ClinVar's aggregate classification.

Literature cited by the submitters: PubMed 16199547 (cited by Labcorp Genetics (formerly Invitae), Labcorp); PubMed 9915946 (cited by 6 submitters); PubMed 22161967 (cited by 7 submitters); PubMed 26048034 (cited by 3 submitters); PubMed 29859105 (cited by Victorian Clinical Genetics Services, Murdoch Childrens Research Institute); PubMed 20301570 (cited by GeneReviews); NCBI Bookshelf NBK1396 (cited by GeneReviews).